The following is an entry in ClinVar:

NM_018127.7(ELAC2):c.835A>G (p.Lys279Glu)

Gene: ELAC2 (elaC ribonuclease Z 2; minus strand). Cytogenetic location: 17p12.
Variant type: single nucleotide variant.
Coding change: c.835A>G on transcript NM_018127.7 (MANE Select); coding-DNA position 835, A replaced by G.
Protein change: p.Lys279Glu; replaces lysine 279 with glutamic acid.
Molecular consequence: missense variant.
Genome position (GRCh38, 1-based): chr17:13,005,788, T>C on the plus strand (A>G on the coding strand, the complement: ELAC2 is on the minus strand). VCF-style: chr17-13005788-T-C. GRCh37 (hg19) VCF-style: chr17-12909105-T-C.
Other names: c.715A>G, p.Lys239Glu (NM_001165962.2); c.835A>G, p.Lys279Glu (NM_173717.2); short protein forms K279E, K239E.
Identifiers: ClinVar variation 5008248 (VCV005008248.1).

ClinVar aggregate classification (germline): Uncertain significance (1 of 4 stars; one submission).

Submission:

GeneDx
Classification: Uncertain significance. Last evaluated: 2026-03-02. Review status: criteria provided, single submitter. Criteria: GeneDx Variant Classification Process June 2021. Collection method: clinical testing. Allele origin: germline.
Comment: Not observed at significant frequency in large population cohorts (gnomAD); In silico analysis supports that this missense variant has a deleterious effect on protein structure/function; Has not been previously published as pathogenic or benign to our knowledge